The following is an entry in ClinVar:

ClinVar aggregate classification (germline): Likely benign. Review status: criteria provided, multiple submitters, no conflicts (2 of 4 stars). 2 submissions from 2 submitters: Likely benign (2). Last evaluated 2025-12-31.

Conditions:
DNM2-related disorder. Also called: DNM2-related condition.
Charcot-Marie-Tooth disease dominant intermediate B (CMTDIB). Also called: Charcot-Marie-Tooth disease dominant intermediate 1; CMT DI1; Charcot-Marie-Tooth disease dominant intermediate I; CHARCOT-MARIE-TOOTH NEUROPATHY, DOMINANT INTERMEDIATE B. Identifiers: Orphanet 100044, Orphanet 228179, MedGen C1847902, MONDO:0011674, OMIM 606482.

Allele frequency attached by ClinVar (database versions not stated): gnomAD exomes 0.00001 and 0.00002; ExAC 0.00003; gnomAD 0.00003 and 0.00004; TOPMed 0.00003; ESP Exome Variant Server 0.00008.
gnomAD v4.1: 18 of 1,614,004 alleles (0.0011%); highest among the groups gnomAD compares: Middle Eastern, 0.033%; no homozygotes.

Submissions (2):

Labcorp Genetics (formerly Invitae), Labcorp
Classification: Likely benign for Charcot-Marie-Tooth disease dominant intermediate B. Last evaluated: 2025-12-31. Review status: criteria provided, single submitter. Criteria: Invitae Variant Classification Sherloc (09022015). Collection method: clinical testing. Allele origin: germline.

PreventionGenetics, part of Exact Sciences
Classification: Likely benign for DNM2-related condition. Last evaluated: 2025-04-04. Review status: criteria provided, single submitter. Criteria: ACMG Guidelines, 2015. Collection method: clinical testing. Allele origin: germline.
Comment: This variant is classified as likely benign based on ACMG/AMP sequence variant interpretation guidelines (Richards et al. 2015 PMID: 25741868, with internal and published modifications).

NM_001005361.3(DNM2):c.327G>A (p.Thr109=)

Gene: DNM2 (dynamin 2; plus strand). Cytogenetic location: 19p13.2.
Variant type: single nucleotide variant.
Coding change: c.327G>A on transcript NM_001005361.3 (MANE Select); coding-DNA position 327, G replaced by A.
Protein change: p.Thr109=; no amino-acid change (threonine 109 retained).
Molecular consequence: synonymous variant.
Genome position (GRCh38, 1-based): chr19:10,772,570, G>A. VCF-style: chr19-10772570-G-A. GRCh37 (hg19) VCF-style: chr19-10883246-G-A.
Other names: c.327G>A, p.Thr109= (NM_001005360.3, NM_001005362.3, NM_001190716.2 and 1 more transcripts).
Identifiers: ClinVar variation 701462 (VCV000701462.9), dbSNP rs369843334, ClinGen allele CA9200762.